The following is an entry in ClinVar:

ClinVar aggregate classification (germline): Conflicting classifications of pathogenicity. Review status: criteria provided, conflicting classifications (1 of 4 stars). 2 submissions from 2 submitters: Uncertain significance (1); Likely benign (1). Last evaluated 2025-02-14.

Conditions:
Inborn genetic diseases. Identifiers: MedGen C0950123, MeSH D030342.
Frasier syndrome. Identifiers: Orphanet 347, MedGen C0950122, MeSH D052159, MONDO:0007635, OMIM 136680.
Wilms tumor 1 (WT1). Also called: Wilms tumor, somatic. Identifiers: Orphanet 654, MedGen CN033288, MONDO:0008679, OMIM 194070.
11p partial monosomy syndrome (WAGR). Also called: WAGR Complex; WAGR syndrome; CHROMOSOME 11p13 DELETION SYNDROME; WAGR Spectrum Disorder. Identifiers: Orphanet 893, MedGen C0206115, MONDO:0008681, OMIM 194072.
Drash syndrome (DDS). Also called: NEPHROPATHY, WILMS TUMOR, AND GENITAL ANOMALIES; WILMS TUMOR AND PSEUDO- OR TRUE HERMAPHRODITISM. Identifiers: Orphanet 220, MedGen C0950121, MONDO:0008682, OMIM 194080.

Submissions (2):

Ambry Genetics
Classification: Likely benign for Inborn genetic diseases. Last evaluated: 2025-02-14. Review status: criteria provided, single submitter. Criteria: Ambry Variant Classification Scheme 2023. Collection method: clinical testing. Allele origin: germline.

Labcorp Genetics (formerly Invitae), Labcorp
Classification: Uncertain significance for Wilms tumor 1; Drash syndrome; 11p partial monosomy syndrome; Frasier syndrome. Last evaluated: 2022-07-06. Review status: criteria provided, single submitter. Criteria: Invitae Variant Classification Sherloc (09022015). Collection method: clinical testing. Allele origin: germline.
Comment: In summary, the available evidence is currently insufficient to determine the role of this variant in disease. Therefore, it has been classified as a Variant of Uncertain Significance. This variant has not been reported in the literature in individuals affected with WT1-related conditions. This variant is not present in population databases (gnomAD no frequency). This sequence change replaces valine, which is neutral and non-polar, with alanine, which is neutral and non-polar, at codon 318 of the WT1 protein (p.Val318Ala). ClinVar contains an entry for this variant (Variation ID: 1014150). Algorithms developed to predict the effect of missense changes on protein structure and function (SIFT, PolyPhen-2, Align-GVGD) all suggest that this variant is likely to be tolerated.

NM_024426.6(WT1):c.968T>C (p.Val323Ala)

Gene: WT1 (WT1 transcription factor; minus strand). Cytogenetic location: 11p13.
Variant type: single nucleotide variant.
Coding change: c.968T>C on transcript NM_024426.6 (MANE Select); coding-DNA position 968, T replaced by C.
Protein change: p.Val323Ala; replaces valine 323 with alanine.
Molecular consequence: missense variant. On other transcripts: non-coding transcript variant (1), intron variant (2).
Genome position (GRCh38, 1-based): chr11:32,416,538, A>G on the plus strand (T>C on the coding strand, the complement: WT1 is on the minus strand). VCF-style: chr11-32416538-A-G. GRCh37 (hg19) VCF-style: chr11-32438084-A-G.
Other names: c.317T>C, p.Val106Ala (NM_001198551.2); c.968T>C, p.Val323Ala (NM_001407044.1, NM_001407046.1, NM_024424.5); c.845T>C, p.Val282Ala (NM_001407047.1); c.206T>C, p.Val69Ala (NM_001407051.1); c.965+1039T>C (NM_000378.6); c.314+1039T>C (NM_001198552.2); c.953T>C (NM_024426.4); short protein forms V106A, V323A, V282A, V318A, V69A.
Identifiers: ClinVar variation 1014150 (VCV001014150.11), dbSNP rs1852677213, ClinGen allele CA379961895.